The following is an entry in ClinVar:

ClinVar aggregate classification (germline): Uncertain significance (1 of 4 stars; one submission).

Submission:

Labcorp Genetics (formerly Invitae), Labcorp
Classification: Uncertain significance. Last evaluated: 2024-10-29. Review status: criteria provided, single submitter. Criteria: Invitae Variant Classification Sherloc (09022015). Collection method: clinical testing. Allele origin: germline.
Comment: This sequence change creates a premature translational stop signal (p.Gly47Valfs*24) in the CDC42 gene. It is expected to result in an absent or disrupted protein product. However, the current clinical and genetic evidence is not sufficient to establish whether loss-of-function variants in CDC42 cause disease. This variant is not present in population databases (gnomAD no frequency). This variant has not been reported in the literature in individuals affected with CDC42-related conditions. In summary, the available evidence is currently insufficient to determine the role of this variant in disease. Therefore, it has been classified as a Variant of Uncertain Significance.

NM_001791.4(CDC42):c.140del (p.Gly47fs)

Gene: CDC42 (cell division cycle 42; plus strand). Cytogenetic location: 1p36.12.
Variant type: Deletion.
Coding change: c.140del on transcript NM_001791.4 (MANE Select); coding-DNA position 140, one base deleted (G; older notation c.140delG).
Protein change: p.Gly47fs; shifts the reading frame from glycine 47.
Molecular consequence: frameshift variant.
Genome position (GRCh38, 1-based): chr1:22,081,756, G deleted; the last of 2 consecutive G bases (chr1:22,081,755-22,081,756); deleting either gives the same sequence. VCF-style (leftmost placement, unchanged base first): chr1-22081754-TG-T. GRCh37 (hg19) VCF-style: chr1-22408247-TG-T.
Other names: c.140del, p.Gly47fs (NM_001039802.2, NM_044472.3); short protein forms G47fs.
Identifiers: ClinVar variation 3652824 (VCV003652824.2).